The following is an entry in ClinVar:

ClinVar aggregate classification (germline): Uncertain significance (1 of 4 stars; one submission).

Conditions:
Hereditary cancer-predisposing syndrome. Also called: Neoplastic Syndromes, Hereditary; Tumor predisposition; Hereditary Cancer Syndrome; Hereditary neoplastic syndrome. Identifiers: Orphanet 140162, MedGen C0027672, MeSH D009386, MONDO:0015356.

Submission:

Ambry Genetics
Classification: Uncertain significance for Hereditary cancer-predisposing syndrome. Last evaluated: 2026-02-26. Review status: criteria provided, single submitter. Criteria: Ambry Variant Classification Scheme 2023. Collection method: clinical testing. Allele origin: germline.
Comment: The c.913-3C>T intronic variant results from a C to T substitution 3 nucleotides upstream from coding exon 6 in the MEN1 gene. This nucleotide position is poorly conserved in available vertebrate species. In silico splice site analysis predicts that this alteration will not have any significant effect on splicing. Based on the available evidence, the clinical significance of this variant remains unclear.

NM_001370259.2(MEN1):c.913-3C>T

Gene: MEN1 (menin 1; minus strand). Cytogenetic location: 11q13.1.
Variant type: single nucleotide variant.
Coding change: c.913-3C>T on transcript NM_001370259.2 (MANE Select); 3 bases into the intron before coding-DNA position 913, C replaced by T.
Molecular consequence: intron variant.
Genome position (GRCh38, 1-based): chr11:64,806,371, G>A on the plus strand (C>T on the coding strand, the complement: MEN1 is on the minus strand). VCF-style: chr11-64806371-G-A. GRCh37 (hg19) VCF-style: chr11-64573843-G-A.
Other names: c.928-3C>T (NM_130804.3, NM_130803.3, NM_000244.4 and 5 more transcripts); c.808-3C>T (NM_001407148.1, NM_001407149.1, NM_001407151.1 and 2 more transcripts); c.913-3C>T (NM_130799.3, NM_001407144.1, NM_001370260.2 and 7 more transcripts).
Identifiers: ClinVar variation 4826512 (VCV004826512.1).